The following is an entry in ClinVar:

NM_000059.4(BRCA2):c.6243G>T (p.Glu2081Asp)

Gene: BRCA2 (BRCA2 DNA repair associated; plus strand). Cytogenetic location: 13q13.1.
Variant type: single nucleotide variant.
Coding change: c.6243G>T on transcript NM_000059.4 (MANE Select); coding-DNA position 6243, G replaced by T.
Protein change: p.Glu2081Asp; replaces glutamic acid 2081 with aspartic acid.
Molecular consequence: missense variant. On other transcripts: non-coding transcript variant (1), intron variant (2).
Genome position (GRCh38, 1-based): chr13:32,340,598, G>T. VCF-style: chr13-32340598-G-T. GRCh37 (hg19) VCF-style: chr13-32914735-G-T.
Other names: c.6243G>T, p.Glu2081Asp (NM_001406719.1, NM_001406720.1, NM_001432077.1); c.1910-3960G>T (NM_001406721.1); c.425-3960G>T (NM_001406722.1); short protein forms E2081D.
Identifiers: ClinVar variation 4802322 (VCV004802322.1).

ClinVar aggregate classification (germline): Uncertain significance (1 of 4 stars; one submission).

Conditions:
Hereditary breast ovarian cancer syndrome. Also called: Hereditary breast and ovarian cancer syndrome (HBOC); Hereditary breast and ovarian cancer; Breast and ovarian cancer; Hereditary breast and/or ovarian cancer syndrome; BRCA1- and BRCA2-Associated Hereditary Breast and Ovarian Cancer; Hereditary breast and ovarian cancer syndrome. Identifiers: Orphanet 145, MedGen C0677776, MeSH D061325, MONDO:0003582. Disease mechanism: loss of function.

Submission:

Labcorp Genetics (formerly Invitae), Labcorp
Classification: Uncertain significance for Hereditary breast ovarian cancer syndrome. Last evaluated: 2025-09-16. Review status: criteria provided, single submitter. Criteria: Invitae Variant Classification Sherloc (09022015). Collection method: clinical testing. Allele origin: germline.
Comment: This sequence change replaces glutamic acid, which is acidic and polar, with aspartic acid, which is acidic and polar, at codon 2081 of the BRCA2 protein (p.Glu2081Asp). This variant is not present in population databases (gnomAD no frequency). This variant has not been reported in the literature in individuals affected with BRCA2-related conditions. Invitae Evidence Modeling of protein sequence and biophysical properties (such as structural, functional, and spatial information, amino acid conservation, physicochemical variation, residue mobility, and thermodynamic stability) indicates that this missense variant is not expected to disrupt BRCA2 protein function with a negative predictive value of 95%. In summary, the available evidence is currently insufficient to determine the role of this variant in disease. Therefore, it has been classified as a Variant of Uncertain Significance.